The following is an entry in ClinVar:

ClinVar aggregate classification (germline): Benign/Likely benign. Review status: criteria provided, multiple submitters, no conflicts (2 of 4 stars). 4 submissions from 4 submitters: Benign (1); Likely benign (2). 1 of the submissions does not count toward it. Last evaluated 2026-01-21.

Conditions:
GP6-related disorder. Also called: GP6-related condition.

Allele frequency attached by ClinVar (database versions not stated): gnomAD exomes 0.00024; ExAC 0.00084; gnomAD 0.00258; ESP Exome Variant Server 0.00277; TOPMed 0.00277; 1000 Genomes Project 0.00319; 1000 Genomes Project 30x 0.00375.

Submissions (4):

Labcorp Genetics (formerly Invitae), Labcorp
Classification: Benign. Last evaluated: 2026-01-21. Review status: criteria provided, single submitter. Criteria: Invitae Variant Classification Sherloc (09022015). Collection method: clinical testing. Allele origin: germline.

Mayo Clinic Laboratories, Mayo Clinic
Classification: Likely benign. Last evaluated: 2025-01-13. Review status: criteria provided, single submitter. Criteria: ACMG Guidelines, 2015. Collection method: clinical testing. Allele origin: germline. Observed: 1 variant allele.
Comment: BS1, BP4, BP7

Blueprint Genetics
Classification: Likely benign. Last evaluated: 2024-06-19. Review status: criteria provided, single submitter. Criteria: ACMG Guidelines, 2015. Collection method: clinical testing. Allele origin: germline.

PreventionGenetics, part of Exact Sciences
Classification: Benign for GP6-related condition. Last evaluated: 2019-08-14. Review status: no assertion criteria provided. Collection method: clinical testing. Allele origin: germline. Not counted in ClinVar's aggregate classification.
Comment: This variant is classified as benign based on ACMG/AMP sequence variant interpretation guidelines (Richards et al. 2015 PMID: 25741868, with internal and published modifications).

NM_016363.5(GP6):c.390A>T (p.Val130=)

Gene: GP6 (glycoprotein VI platelet; minus strand). Cytogenetic location: 19q13.42.
Variant type: single nucleotide variant.
Coding change: c.390A>T on transcript NM_016363.5 (MANE Select); coding-DNA position 390, A replaced by T.
Protein change: p.Val130=; no amino-acid change (valine 130 retained).
Molecular consequence: synonymous variant.
Genome position (GRCh38, 1-based): chr19:55,027,798, T>A on the plus strand (A>T on the coding strand, the complement: GP6 is on the minus strand). VCF-style: chr19-55027798-T-A. GRCh37 (hg19) VCF-style: chr19-55539166-T-A.
Other names: p.Val130=; c.390A>T, p.Val130= (NM_001083899.2, NM_001256017.2).
Identifiers: ClinVar variation 2054011 (VCV002054011.8), dbSNP rs115934645, ClinGen allele CA310130251.